The following is an entry in ClinVar:

NM_004104.5(FASN):c.5140C>G (p.Gln1714Glu)

Gene: FASN (fatty acid synthase; minus strand). Cytogenetic location: 17q25.3.
Variant type: single nucleotide variant.
Coding change: c.5140C>G on transcript NM_004104.5 (MANE Select); coding-DNA position 5140, C replaced by G.
Protein change: p.Gln1714Glu; replaces glutamine 1714 with glutamic acid.
Molecular consequence: missense variant.
Genome position (GRCh38, 1-based): chr17:82,083,850, G>C on the plus strand (C>G on the coding strand, the complement: FASN is on the minus strand). VCF-style: chr17-82083850-G-C. GRCh37 (hg19) VCF-style: chr17-80041726-G-C.
Other names: short protein forms Q1714E.
Identifiers: ClinVar variation 665676 (VCV000665676.1), dbSNP rs1598575285, ClinGen allele CA401540628.

ClinVar aggregate classification (germline): Uncertain significance (1 of 4 stars; one submission).

Conditions:
Epileptic encephalopathy. Identifiers: MedGen C0543888, HP:0200134.

Submission:

Labcorp Genetics (formerly Invitae), Labcorp
Classification: Uncertain significance for Epileptic encephalopathy. Last evaluated: 2018-11-26. Review status: criteria provided, single submitter. Criteria: Invitae Variant Classification Sherloc (09022015). Collection method: clinical testing. Allele origin: germline.
Comment: This sequence change replaces glutamine with glutamic acid at codon 1714 of the FASN protein (p.Gln1714Glu). The glutamine residue is highly conserved and there is a small physicochemical difference between glutamine and glutamic acid. This variant is not present in population databases (ExAC no frequency). This variant has not been reported in the literature in individuals with FASN-related disease. Algorithms developed to predict the effect of missense changes on protein structure and function (SIFT, PolyPhen-2, Align-GVGD) all suggest that this variant is likely to be tolerated, but these predictions have not been confirmed by published functional studies and their clinical significance is uncertain. In summary, the available evidence is currently insufficient to determine the role of this variant in disease. Therefore, it has been classified as a Variant of Uncertain Significance.